The following is an entry in ClinVar:

ClinVar aggregate classification (germline): Uncertain significance (1 of 4 stars; one submission).

Submission:

Ambry Genetics
Classification: Uncertain significance. Last evaluated: 2023-10-15. Review status: criteria provided, single submitter. Criteria: Ambry Variant Classification Scheme 2023. Collection method: clinical testing. Allele origin: germline.
Comment: The p.P285Q variant (also known as c.854C>A), located in coding exon 3 of the ALPK2 gene, results from a C to A substitution at nucleotide position 854. The proline at codon 285 is replaced by glutamine, an amino acid with similar properties. This amino acid position is conserved. In addition, this alteration is predicted to be tolerated by in silico analysis. Since supporting evidence is limited at this time, the clinical significance of this alteration remains unclear.

NM_052947.4(ALPK2):c.854C>A (p.Pro285Gln)

Genes: ALPK2 (alpha kinase 2; minus strand), LOC114803473 (ALPK2 eExon liver enhancer; plus strand). Cytogenetic location: 18q21.31.
Variant type: single nucleotide variant.
Coding change: c.854C>A on transcript NM_052947.4 (MANE Select); coding-DNA position 854, C replaced by A.
Protein change: p.Pro285Gln; replaces proline 285 with glutamine.
Molecular consequence: missense variant.
Genome position (GRCh38, 1-based): chr18:58,579,922, G>T on the plus strand (C>A on the coding strand, the complement: ALPK2 is on the minus strand). VCF-style: chr18-58579922-G-T. GRCh37 (hg19) VCF-style: chr18-56247154-G-T.
Other names: short protein forms P285Q.
Identifiers: ClinVar variation 3228871 (VCV003228871.1), dbSNP rs2518899758, ClinGen allele CA402567038.
Genomic context (GRCh38, chr18:58,579,922, plus strand): 5'-TCAGAGTCTTCACTGGAAAGCTGTGGGCTGGGTTGTTTGTTGGCCACGGCACTGTCACCT[G>T]GGTAAATGTGTGCAGTTGCCTCAGATAGCGGGAGGCTGAAGCTAATGTATTTCTGTACTT-3'
Protein context (NP_443179.3, residues 275-295): PLSEATAHIY[Pro285Gln]GDSAVANKQP